The following is an entry in ClinVar:

NM_000038.6(APC):c.834+7_834+10del

Gene: APC (APC regulator of Wnt signaling pathway; plus strand). Cytogenetic location: 5q22.2.
Variant type: Microsatellite.
Coding change: c.834+7_834+10del on transcript NM_000038.6 (MANE Select); bases 7 to 10 of the intron after coding-DNA position 834, 4 bases deleted (AAAT; older notation c.834+7_834+10delAAAT).
Molecular consequence: splice donor variant.
Genome position (GRCh38, 1-based): chr5:112,801,390-112,801,393, AAAT deleted; deleting any 4 consecutive bases within chr5:112,801,385-112,801,393 gives the same sequence; the c. name uses the placement nearest the transcript's 3' end. VCF-style (leftmost placement, unchanged base first): chr5-112801384-GTAAA-G. GRCh37 (hg19) VCF-style: chr5-112137081-GTAAA-G.
Other names: c.834+7_834+10del (NM_001407454.1, NM_001354903.2, NM_001407447.1 and 12 more transcripts); c.750+7_750+10del (NM_001354899.2, NM_001407467.1, NM_001407452.1 and 1 more transcripts); c.657+7_657+10del (NM_001354900.2, NM_001354901.2, NM_001354905.2 and 1 more transcripts); c.-202+7_-202+10del (NM_001407470.1, NM_001407472.1, NM_001354906.2 and 1 more transcripts); c.864+7_864+10del (NM_001407446.1, NM_001354897.2, NM_001354902.2); c.780+7_780+10del (NM_001127511.3); c.759+7_759+10del (NM_001407451.1, NM_001354898.2, NM_001354904.2).
Identifiers: ClinVar variation 3148431 (VCV003148431.1), dbSNP rs2532757325, ClinGen allele CA2825001341.

ClinVar aggregate classification (germline): Likely benign (1 of 4 stars; one submission).

Conditions:
Familial adenomatous polyposis 1 (FAP1). Also called: POLYPOSIS, ADENOMATOUS INTESTINAL; FAMILIAL ADENOMATOUS POLYPOSIS 1, ATTENUATED. Identifiers: MedGen C2713442, MONDO:0021056, OMIM 175100. Disease mechanism: loss of function.

Submission:

Myriad Genetics, Inc.
Classification: Likely benign for Familial adenomatous polyposis 1. Last evaluated: 2024-02-27. Review status: criteria provided, single submitter. Criteria: Myriad Autosomal Dominant, Autosomal Recessive and X-Linked Classification Criteria (2023). Collection method: clinical testing. Allele origin: unknown.
Comment: This variant is considered likely benign. This variant is intronic and is not expected to impact mRNA splicing.